The following is an entry in ClinVar:

NM_000138.5(FBN1):c.7454-1G>T

Gene: FBN1 (fibrillin 1; minus strand). Cytogenetic location: 15q21.1.
Variant type: single nucleotide variant.
Coding change: c.7454-1G>T on transcript NM_000138.5 (MANE Select); the canonical splice acceptor site of the intron before coding-DNA position 7454, G replaced by T.
Molecular consequence: splice acceptor variant.
Genome position (GRCh38, 1-based): chr15:48,422,069, C>A on the plus strand (G>T on the coding strand, the complement: FBN1 is on the minus strand). VCF-style: chr15-48422069-C-A. GRCh37 (hg19) VCF-style: chr15-48714266-C-A.
Other names: c.7454-1G>T (NM_001406716.1).
Identifiers: ClinVar variation 1392377 (VCV001392377.6), dbSNP rs2141222615, ClinGen allele CA392326291.

ClinVar aggregate classification (germline): Pathogenic. Review status: criteria provided, multiple submitters, no conflicts (2 of 4 stars). 2 submissions from 2 submitters: Pathogenic (2). Last evaluated 2022-10-19.

Conditions:
Marfan syndrome (MFS). Also called: Marfan syndrome type 1; Marfan's syndrome; FBN1-Related Marfan Syndrome; MARFAN SYNDROME, TYPE I; Marfan syndrome, classic. Identifiers: Orphanet 284963, Orphanet 558, MedGen C0024796, MONDO:0007947, OMIM 154700.
Familial thoracic aortic aneurysm and aortic dissection (TAAD). Also called: Thoracic aortic aneurysms and dissections. Identifiers: Orphanet 91387, MedGen C4707243, MONDO:0019625.

Submissions (2):

GeneDx
Classification: Pathogenic. Last evaluated: 2022-10-19. Review status: criteria provided, single submitter. Criteria: GeneDx Variant Classification Process June 2021. Collection method: clinical testing. Allele origin: germline. Affected: yes.
Comment: Canonical splice site variant expected to result in aberrant splicing, although in the absence of functional evidence the actual effect of this sequence change is unknown.; Not observed at significant frequency in large population cohorts (gnomAD); This variant is associated with the following publications: (PMID: 16222657)

Labcorp Genetics (formerly Invitae), Labcorp
Classification: Pathogenic for Marfan syndrome; Familial thoracic aortic aneurysm and aortic dissection. Last evaluated: 2021-08-16. Review status: criteria provided, single submitter. Criteria: Invitae Variant Classification Sherloc (09022015). Collection method: clinical testing. Allele origin: germline.
Comment: This sequence change affects an acceptor splice site in intron 60 of the FBN1 gene. It is expected to disrupt RNA splicing. Variants that disrupt the donor or acceptor splice site typically lead to a loss of protein function (PMID: 16199547), and loss-of-function variants in FBN1 are known to be pathogenic (PMID: 17657824, 19293843). This variant is not present in population databases (ExAC no frequency). Disruption of this splice site has been observed in individuals with Marfan syndrome (PMID: 16222657; Invitae). Algorithms developed to predict the effect of sequence changes on RNA splicing suggest that this variant may disrupt the consensus splice site. For these reasons, this variant has been classified as Pathogenic.

Literature cited by the submitters: PubMed 16199547 (cited by Labcorp Genetics (formerly Invitae), Labcorp); PubMed 17657824 (cited by Labcorp Genetics (formerly Invitae), Labcorp); PubMed 19293843 (cited by Labcorp Genetics (formerly Invitae), Labcorp); PubMed 16222657 (cited by Labcorp Genetics (formerly Invitae), Labcorp).